The following is an entry in ClinVar:

NM_001011658.4(TRAPPC2):c.353A>G (p.Asn118Ser)

Gene: TRAPPC2 (trafficking protein particle complex subunit 2; minus strand). Cytogenetic location: Xp22.2.
Variant type: single nucleotide variant.
Coding change: c.353A>G on transcript NM_001011658.4 (MANE Select); coding-DNA position 353, A replaced by G.
Protein change: p.Asn118Ser; replaces asparagine 118 with serine.
Molecular consequence: missense variant.
Genome position (GRCh38, 1-based): chrX:13,714,477, T>C on the plus strand (A>G on the coding strand, the complement: TRAPPC2 is on the minus strand). VCF-style: chrX-13714477-T-C. GRCh37 (hg19) VCF-style: chrX-13732596-T-C.
Other names: c.455A>G, p.Asn152Ser (NM_001128835.3); c.353A>G, p.Asn118Ser (NM_014563.6); short protein forms N118S, N152S.
Identifiers: ClinVar variation 432610 (VCV000432610.2), dbSNP rs1382243467, ClinGen allele CA412322622.
Genomic context (GRCh38, chrX:13,714,477, plus strand): 5'-AGGTGTTTCTTCCCAAGAAACTGAACTTTTCTGTCAAATGCACTTGATCGAATAGGAGAA[T>C]TGGGTTCATAAAATGGATTCATTGAAAACTAGGAAAGAAGAAAGTATTAGTGAAGCAAAA-3'
Protein context (NP_001011658.1, residues 108-128): KFSMNPFYEP[Asn118Ser]SPIRSSAFDR

ClinVar aggregate classification (germline): Uncertain significance (1 of 4 stars; one submission).

Allele frequency attached by ClinVar (database versions not stated): TOPMed below 0.00001; gnomAD 0.00001; gnomAD exomes 0.00001.
gnomAD v4.1: 12 of 1,157,299 alleles (0.001%); highest among the groups gnomAD compares: Admixed American, 0.0025%; no homozygotes.

Submission:

GeneDx
Classification: Uncertain significance. Last evaluated: 2017-06-07. Review status: criteria provided, single submitter. Criteria: GeneDx Variant Classification (06012015). Collection method: clinical testing. Allele origin: germline. Affected: yes.
Comment: The N118S variant in the TRAPPC2 gene has not been reported previously as a pathogenic variant, nor as a benign variant, to our knowledge. The N118S variant is not observed in large population cohorts (Lek et al., 2016; 1000 Genomes Consortium et al., 2015; Exome Variant Server). The N118S variant is a conservative amino acid substitution, which occurs at a position that is conserved across species. In silico analysis predicts this variant is probably damaging to the protein structure/function. We interpret N118S as a variant of uncertain significance